The following is an entry in ClinVar:

ClinVar aggregate classification (germline): Benign. Review status: criteria provided, multiple submitters, no conflicts (2 of 4 stars). 3 submissions from 3 submitters: Benign (3). Last evaluated 2026-01-26.

Allele frequency attached by ClinVar (database versions not stated): 1000 Genomes Project 30x 0.00578; 1000 Genomes Project 0.00599; ESP Exome Variant Server 0.00752; TOPMed 0.00758; gnomAD 0.00875 and 0.00877; gnomAD exomes 0.00981 and 0.01211; ExAC 0.01849.

Submissions (3):

Labcorp Genetics (formerly Invitae), Labcorp
Classification: Benign. Last evaluated: 2026-01-26. Review status: criteria provided, single submitter. Criteria: Invitae Variant Classification Sherloc (09022015). Collection method: clinical testing. Allele origin: germline.

CeGaT Center for Human Genetics Tuebingen
Classification: Benign. Last evaluated: 2024-06-01. Review status: criteria provided, single submitter. Criteria: CeGaT Center For Human Genetics Tuebingen Variant Classification Criteria Version 2. Collection method: clinical testing. Allele origin: germline. Affected: yes. Observed: 5 variant alleles.
Comment: CELSR2: BS1, BS2

Breakthrough Genomics
Classification: Benign. Review status: criteria provided, single submitter. Criteria: ACMG Guidelines, 2015. Collection method: not provided. Allele origin: germline. Inheritance: Unknown mechanism. Affected: yes.

NM_001408.3(CELSR2):c.3602C>T (p.Pro1201Leu)

Gene: CELSR2 (cadherin EGF LAG seven-pass G-type receptor 2; plus strand). Cytogenetic location: 1p13.3.
Variant type: single nucleotide variant.
Coding change: c.3602C>T on transcript NM_001408.3 (MANE Select); coding-DNA position 3602, C replaced by T.
Protein change: p.Pro1201Leu; replaces proline 1201 with leucine.
Molecular consequence: missense variant.
Genome position (GRCh38, 1-based): chr1:109,258,723, C>T. VCF-style: chr1-109258723-C-T. GRCh37 (hg19) VCF-style: chr1-109801345-C-T.
Other names: short protein forms P1201L.
Identifiers: ClinVar variation 1609664 (VCV001609664.33), dbSNP rs75237799, ClinGen allele CA986977.